The following is an entry in ClinVar:

NM_198578.4(LRRK2):c.1674= (p.Gly558=)

Gene: LRRK2 (leucine rich repeat kinase 2; plus strand). Cytogenetic location: 12q12.
Variant type: single nucleotide variant.
Coding change: c.1674= on transcript NM_198578.4 (MANE Select); coding-DNA position 1674, no change from the reference sequence.
Protein change: p.Gly558=; no amino-acid change (glycine 558 retained).
Molecular consequence: no sequence alteration.
Genome position: GRCh38 VCF-style: chr12-40274600-G-G. GRCh37 (hg19) VCF-style: chr12-40668402-G-G.
Identifiers: ClinVar variation 39140 (VCV000039140.4), dbSNP rs77424631.

ClinVar aggregate classification (germline): Uncertain significance (0 of 4 stars; one submission).

Conditions:
Autosomal dominant Parkinson disease 8. Also called: Parkinson disease 8, susceptibility to; LRRK2-Related Parkinson Disease; Parkinson disease 8. Identifiers: Orphanet 411602, MedGen C1846862, MONDO:0011764, OMIM 607060.

Submission:

GeneReviews
Classification: Uncertain significance for LRRK2-Related Parkinson Disease. Last evaluated: 2012-09-13. Review status: no assertion criteria provided. Collection method: curation. Allele origin: unknown.
ClinVar note: Converted during submission from unknown to Uncertain significance.